The following is an entry in ClinVar:

NM_032634.4(PIGO):c.2908C>T (p.Arg970Trp)

Gene: PIGO (phosphatidylinositol glycan anchor biosynthesis class O; minus strand). Cytogenetic location: 9p13.3.
Variant type: single nucleotide variant.
Coding change: c.2908C>T on transcript NM_032634.4 (MANE Select); coding-DNA position 2908, C replaced by T.
Protein change: p.Arg970Trp; replaces arginine 970 with tryptophan.
Molecular consequence: missense variant.
Genome position (GRCh38, 1-based): chr9:35,090,227, G>A on the plus strand (C>T on the coding strand, the complement: PIGO is on the minus strand). VCF-style: chr9-35090227-G-A. GRCh37 (hg19) VCF-style: chr9-35090224-G-A.
Other names: c.1657C>T, p.Arg553Trp (NM_001201484.2, NM_152850.4); short protein forms R970W, R553W.
Identifiers: ClinVar variation 423757 (VCV000423757.17), dbSNP rs748546962, ClinGen allele CA5040299.

ClinVar aggregate classification (germline): Conflicting classifications of pathogenicity. Review status: criteria provided, conflicting classifications (1 of 4 stars). 4 submissions from 4 submitters: Uncertain significance (3); Likely benign (1). Last evaluated 2026-07-31.

Conditions:
Hyperphosphatasia with impaired intellectual development syndrome 2. Also called: GLYCOSYLPHOSPHATIDYLINOSITOL BIOSYNTHESIS DEFECT 6; Hyperphosphatasia with intellectual disability syndrome 2. Identifiers: Orphanet 247262, MedGen C3553637, MONDO:0013882, OMIM 614749.
Inborn genetic diseases. Identifiers: MedGen C0950123, MeSH D030342.

Allele frequency attached by ClinVar (database versions not stated): TOPMed 0.00011; gnomAD 0.00006; gnomAD exomes 0.00016 and 0.00005; ExAC 0.00017.

Submissions (4):

GeneDx
Classification: Uncertain significance. Last evaluated: 2026-07-31. Review status: criteria provided, single submitter. Criteria: GeneDx Variant Classification Process June 2021. Collection method: clinical testing. Allele origin: germline.
Comment: In silico analysis suggests that this missense variant does not alter protein structure/function; Has not been previously published as pathogenic or benign to our knowledge

Ambry Genetics
Classification: Likely benign for Inborn genetic diseases. Last evaluated: 2025-01-03. Review status: criteria provided, single submitter. Criteria: Ambry Variant Classification Scheme 2023. Collection method: clinical testing. Allele origin: germline.

Labcorp Genetics (formerly Invitae), Labcorp
Classification: Uncertain significance for Hyperphosphatasia with impaired intellectual development syndrome 2. Last evaluated: 2024-10-16. Review status: criteria provided, single submitter. Criteria: Invitae Variant Classification Sherloc (09022015). Collection method: clinical testing. Allele origin: germline.
Comment: This sequence change replaces arginine, which is basic and polar, with tryptophan, which is neutral and slightly polar, at codon 970 of the PIGO protein (p.Arg970Trp). The frequency data for this variant in the population databases is considered unreliable, as metrics indicate poor data quality at this position in the gnomAD database. This variant has not been reported in the literature in individuals affected with PIGO-related conditions. ClinVar contains an entry for this variant (Variation ID: 423757). Invitae Evidence Modeling of protein sequence and biophysical properties (such as structural, functional, and spatial information, amino acid conservation, physicochemical variation, residue mobility, and thermodynamic stability) indicates that this missense variant is not expected to disrupt PIGO protein function with a negative predictive value of 80%. In summary, the available evidence is currently insufficient to determine the role of this variant in disease. Therefore, it has been classified as a Variant of Uncertain Significance.

Athena Diagnostics
Classification: Uncertain significance. Last evaluated: 2024-07-05. Review status: criteria provided, single submitter. Criteria: Athena Diagnostics Criteria. Collection method: clinical testing. Allele origin: unknown.
Comment: Available data are insufficient to determine the clinical significance of the variant at this time. The frequency of this variant in the general population is higher than would generally be expected for pathogenic variants in this gene. Polyphen and MutationTaster predict this amino acid change may be benign.